The following is an entry in ClinVar:

Conditions:
Breast-ovarian cancer, familial, susceptibility to, 1 (BROVCA1). Also called: BRCA1 Hereditary Breast and Ovarian Cancer; OVARIAN CANCER, SUSCEPTIBILITY TO. Identifiers: Orphanet 145, MedGen C2676676, MONDO:0011450, OMIM 604370. Disease mechanism: loss of function.

Submission:

Brotman Baty Institute, University of Washington
No classification provided (evidence only). Condition: Breast-ovarian cancer, familial 1. Review status: no classification provided. Collection method: in vitro. Allele origin: not applicable. Functional consequence: functionally_normal.
ClinVar note: "not provided" was previously submitted as the classification for the variant. However, the classification appeared to be based only on an observation of functional data so it was converted to no classification on 2025-07-30.

NM_007294.4(BRCA1):c.5204A>C (p.Glu1735Ala)

Gene: BRCA1 (BRCA1 DNA repair associated; minus strand). Cytogenetic location: 17q21.31.
Variant type: single nucleotide variant.
Coding change: c.5204A>C on transcript NM_007294.4 (MANE Select); coding-DNA position 5204, A replaced by C.
Protein change: p.Glu1735Ala; replaces glutamic acid 1735 with alanine.
Molecular consequence: missense variant. On other transcripts: non-coding transcript variant (1).
Genome position (GRCh38, 1-based): chr17:43,057,125, T>G on the plus strand (A>C on the coding strand, the complement: BRCA1 is on the minus strand). VCF-style: chr17-43057125-T-G. GRCh37 (hg19) VCF-style: chr17-41209142-T-G.
Other names: c.4991A>C, p.Glu1664Ala (NM_001407571.1, NM_001407900.1, NM_001407902.1 and 12 more transcripts); c.5270A>C, p.Glu1757Ala (NM_001407581.1, NM_001407582.1); c.5267A>C, p.Glu1756Ala (NM_001407583.1, NM_001407585.1, NM_001407587.1 and 1 more transcripts); c.5201A>C, p.Glu1734Ala (NM_001407610.1, NM_001407611.1, NM_001407612.1 and 17 more transcripts); c.5198A>C, p.Glu1733Ala (NM_001407629.1, NM_001407630.1, NM_001407631.1 and 14 more transcripts); c.5144A>C, p.Glu1715Ala (NM_001407649.1); c.5126A>C, p.Glu1709Ala (NM_001407652.1, NM_001407653.1, NM_001407654.1 and 1 more transcripts); c.5123A>C, p.Glu1708Ala (NM_001407656.1, NM_001407657.1, NM_001407658.1); and 72 more; short protein forms E1688A, E1735A, E631A, E1756A, E1439A, E1608A, E1622A, E1623A.
Identifiers: ClinVar variation 867513 (VCV000867513.3), dbSNP rs2051527499, ClinGen allele CA10591128.